The following is an entry in ClinVar:

ClinVar aggregate classification (germline): Uncertain significance (1 of 4 stars; one submission).

gnomAD v4.1: 2 of 1,614,156 alleles (0.00012%); highest among the groups gnomAD compares: Non-Finnish European, 0.000085%; no homozygotes.

Submission:

GeneDx
Classification: Uncertain significance. Last evaluated: 2023-06-26. Review status: criteria provided, single submitter. Criteria: GeneDx Variant Classification Process June 2021. Collection method: clinical testing. Allele origin: germline. Affected: yes.
Comment: Not observed at significant frequency in large population cohorts (gnomAD); In silico analysis supports that this missense variant does not alter protein structure/function; Has not been previously published as pathogenic or benign to our knowledge

NM_015559.3(SETBP1):c.2269G>C (p.Asp757His)

Gene: SETBP1 (SET binding protein 1; plus strand). Cytogenetic location: 18q12.3.
Variant type: single nucleotide variant.
Coding change: c.2269G>C on transcript NM_015559.3 (MANE Select); coding-DNA position 2269, G replaced by C.
Protein change: p.Asp757His; replaces aspartic acid 757 with histidine.
Molecular consequence: missense variant.
Genome position (GRCh38, 1-based): chr18:44,951,609, G>C. VCF-style: chr18-44951609-G-C. GRCh37 (hg19) VCF-style: chr18-42531574-G-C.
Other names: c.2269G>C, p.Asp757His (NM_001379141.1, NM_001379142.1, NM_001410862.1); short protein forms D757H.
Identifiers: ClinVar variation 3360368 (VCV003360368.1).